The following is an entry in ClinVar:

ClinVar aggregate classification (germline): Uncertain significance (1 of 4 stars; one submission).

Submission:

Labcorp Genetics (formerly Invitae), Labcorp
Classification: Uncertain significance. Last evaluated: 2022-01-03. Review status: criteria provided, single submitter. Criteria: Invitae Variant Classification Sherloc (09022015). Collection method: clinical testing. Allele origin: germline.
Comment: In summary, the available evidence is currently insufficient to determine the role of this variant in disease. Therefore, it has been classified as a Variant of Uncertain Significance. Algorithms developed to predict the effect of missense changes on protein structure and function (SIFT, PolyPhen-2, Align-GVGD) all suggest that this variant is likely to be tolerated. This variant has not been reported in the literature in individuals affected with TMC1-related conditions. This variant is not present in population databases (gnomAD no frequency). This sequence change replaces threonine, which is neutral and polar, with isoleucine, which is neutral and non-polar, at codon 206 of the TMC1 protein (p.Thr206Ile).

NM_138691.3(TMC1):c.617C>T (p.Thr206Ile)

Gene: TMC1 (transmembrane channel like 1; plus strand). Cytogenetic location: 9q21.13.
Variant type: single nucleotide variant.
Coding change: c.617C>T on transcript NM_138691.3 (MANE Select); coding-DNA position 617, C replaced by T.
Protein change: p.Thr206Ile; replaces threonine 206 with isoleucine.
Molecular consequence: missense variant.
Genome position (GRCh38, 1-based): chr9:72,751,931, C>T. VCF-style: chr9-72751931-C-T. GRCh37 (hg19) VCF-style: chr9-75366847-C-T.
Other names: short protein forms T206I.
Identifiers: ClinVar variation 2071808 (VCV002071808.4), dbSNP rs2489835063, ClinGen allele CA373497803.